The following is an entry in ClinVar:

ClinVar aggregate classification (germline): Uncertain significance (1 of 4 stars; one submission).

Allele frequency attached by ClinVar (database versions not stated): TOPMed below 0.00001.

Submission:

Ambry Genetics
Classification: Uncertain significance. Last evaluated: 2024-03-08. Review status: criteria provided, single submitter. Criteria: Ambry Variant Classification Scheme 2023. Collection method: clinical testing. Allele origin: germline.
Comment: The p.P175A variant (also known as c.523C>G), located in coding exon 1 of the EGLN1 gene, results from a C to G substitution at nucleotide position 523. The proline at codon 175 is replaced by alanine, an amino acid with highly similar properties. This amino acid position is conserved. In addition, this alteration is predicted to be tolerated by in silico analysis. Since supporting evidence is limited at this time, the clinical significance of this alteration remains unclear.

NM_022051.3(EGLN1):c.523C>G (p.Pro175Ala)

Gene: EGLN1 (egl-9 family hypoxia inducible factor 1; minus strand). Cytogenetic location: 1q42.2.
Variant type: single nucleotide variant.
Coding change: c.523C>G on transcript NM_022051.3 (MANE Select); coding-DNA position 523, C replaced by G.
Protein change: p.Pro175Ala; replaces proline 175 with alanine.
Molecular consequence: missense variant.
Genome position (GRCh38, 1-based): chr1:231,421,366, G>C on the plus strand (C>G on the coding strand, the complement: EGLN1 is on the minus strand). VCF-style: chr1-231421366-G-C. GRCh37 (hg19) VCF-style: chr1-231557112-G-C.
Other names: c.523C>G, p.Pro175Ala (NM_001377260.1, NM_001377261.1); short protein forms P175A.
Identifiers: ClinVar variation 1746277 (VCV001746277.2), dbSNP rs1295404790, ClinGen allele CA345236736.